The following is an entry in ClinVar:

ClinVar aggregate classification (germline): Uncertain significance (1 of 4 stars; one submission).

gnomAD v4.1: 27 of 1,412,526 alleles (0.0019%); highest among the groups gnomAD compares: Admixed American, 0.0028%; no homozygotes.

Submission:

GeneDx
Classification: Uncertain significance. Last evaluated: 2023-10-22. Review status: criteria provided, single submitter. Criteria: GeneDx Variant Classification Process June 2021. Collection method: clinical testing. Allele origin: germline. Affected: yes.
Comment: Not observed at significant frequency in large population cohorts (gnomAD); In silico analysis supports that this missense variant has a deleterious effect on protein structure/function; Has not been previously published as pathogenic or benign to our knowledge

NM_173551.5(ANKS6):c.329A>G (p.Tyr110Cys)

Gene: ANKS6 (ankyrin repeat and sterile alpha motif domain containing 6; minus strand). Cytogenetic location: 9q22.33.
Variant type: single nucleotide variant.
Coding change: c.329A>G on transcript NM_173551.5 (MANE Select); coding-DNA position 329, A replaced by G.
Protein change: p.Tyr110Cys; replaces tyrosine 110 with cysteine.
Molecular consequence: missense variant.
Genome position (GRCh38, 1-based): chr9:98,796,163, T>C on the plus strand (A>G on the coding strand, the complement: ANKS6 is on the minus strand). VCF-style: chr9-98796163-T-C. GRCh37 (hg19) VCF-style: chr9-101558445-T-C.
Other names: short protein forms Y110C.
Identifiers: ClinVar variation 3363269 (VCV003363269.1).
Genomic context (GRCh38, chr9:98,796,163, plus strand): 5'-GTCCCGGGCCCCCGGGCCCCGCCGCCTCACCTGGCCGCCTGCATGAGCGCGCTCCAGCCG[T>C]AGTGGTTGCGGCTGTTGACCGAGGCACCGCGGCGCAGCAGGAAGCGCACCAGCGGTTCGT-3'
Protein context (NP_775822.3, residues 100-120): RGASVNSRNH[Tyr110Cys]GWSALMQAAR